The following is an entry in ClinVar:

ClinVar aggregate classification (germline): Uncertain significance. Review status: criteria provided, multiple submitters, no conflicts (2 of 4 stars). 6 submissions from 6 submitters: Uncertain significance (6). Last evaluated 2025-11-10.

Conditions:
Tuberous sclerosis 2 (TSC2). Identifiers: Orphanet 805, MedGen C1860707, MONDO:0013199, OMIM 613254.
Hereditary cancer-predisposing syndrome. Also called: Neoplastic Syndromes, Hereditary; Hereditary Cancer Syndrome; Hereditary neoplastic syndrome; Tumor predisposition. Identifiers: Orphanet 140162, MedGen C0027672, MeSH D009386, MONDO:0015356.
Tuberous sclerosis syndrome (TSC). Also called: Tuberous Sclerosis Complex; Tuberous sclerosis. Identifiers: Orphanet 805, MedGen C0041341, MONDO:0001734.
Isolated focal cortical dysplasia type II (FCORD2). Also called: CORTICAL DYSPLASIA OF TAYLOR; Focal cortical dysplasia type II. Identifiers: Orphanet 268994, MedGen C1846385, MONDO:0011818, OMIM 607341, HP:0032051.
Lymphangiomyomatosis (LAM). Also called: Lymphangioleiomyomatosis, somatic; Lymphangioleiomyomatosis. Identifiers: Orphanet 538, MedGen C0751674, MONDO:0011705, OMIM 606690.

Allele frequency attached by ClinVar (database versions not stated): gnomAD exomes below 0.00001.
gnomAD v4.1: 2 of 1,570,868 alleles (0.00013%); highest among the groups gnomAD compares: East Asian, 0.0047%; no homozygotes.

Submissions (6):

Labcorp Genetics (formerly Invitae), Labcorp
Classification: Uncertain significance for Tuberous sclerosis 2. Last evaluated: 2025-11-10. Review status: criteria provided, single submitter. Criteria: Invitae Variant Classification Sherloc (09022015). Collection method: clinical testing. Allele origin: germline.
Comment: This sequence change replaces glycine, which is neutral and non-polar, with tryptophan, which is neutral and slightly polar, at codon 111 of the TSC2 protein (p.Gly111Trp). This variant is not present in population databases (gnomAD no frequency). This missense change has been observed in individual(s) with renal cancer (PMID: 30548481). ClinVar contains an entry for this variant (Variation ID: 823605). Invitae Evidence Modeling of protein sequence and biophysical properties (such as structural, functional, and spatial information, amino acid conservation, physicochemical variation, residue mobility, and thermodynamic stability) indicates that this missense variant is not expected to disrupt TSC2 protein function with a negative predictive value of 95%. In summary, the available evidence is currently insufficient to determine the role of this variant in disease. Therefore, it has been classified as a Variant of Uncertain Significance.

Ambry Genetics
Classification: Uncertain significance for Hereditary cancer-predisposing syndrome. Last evaluated: 2025-10-13. Review status: criteria provided, single submitter. Criteria: Ambry Variant Classification Scheme 2023. Collection method: clinical testing. Allele origin: germline.
Comment: The p.G111W variant (also known as c.331G>T), located in coding exon 3 of the TSC2 gene, results from a G to T substitution at nucleotide position 331. The glycine at codon 111 is replaced by tryptophan, an amino acid with highly dissimilar properties. This amino acid position is highly conserved in available vertebrate species. In addition, this alteration is predicted to be deleterious by in silico analysis. Since supporting evidence is limited at this time, the clinical significance of this alteration remains unclear.

Fulgent Genetics
Classification: Uncertain significance for Lymphangiomyomatosis; Isolated focal cortical dysplasia type II; Tuberous sclerosis 2. Last evaluated: 2024-02-22. Review status: criteria provided, single submitter. Criteria: ACMG Guidelines, 2015. Collection method: clinical testing. Allele origin: germline.

All of Us Research Program, National Institutes of Health
Classification: Uncertain significance for Tuberous sclerosis syndrome. Last evaluated: 2023-12-18. Review status: criteria provided, single submitter. Criteria: ACMG Guidelines, 2015. Collection method: clinical testing. Allele origin: germline. Inheritance: Autosomal dominant inheritance. Observed: 1 variant allele, 1 heterozygote.
Comment: This missense variant replaces glycine with tryptophan at codon 111 of the TSC2 protein. Computational prediction is inconclusive regarding the impact of this variant on protein structure and function (internally defined REVEL score threshold 0.5 < inconclusive < 0.7, PMID: 27666373). To our knowledge, functional studies have not been reported for this variant. This variant has been reported in an individual that presented with renal tumors (PMID: 30548481). This variant has not been identified in the general population by the Genome Aggregation Database (gnomAD). The available evidence is insufficient to determine the role of this variant in disease conclusively. Therefore, this variant is classified as a Variant of Uncertain Significance.

This study involves interpretation of variants in research participants for the purpose of population health screening. Participant phenotype was not available at the time of variant classification. Additional details can be found in publication PMID: 35346344, PMCID: PMC8962531

Genome-Nilou Lab
Classification: Uncertain significance for Tuberous sclerosis 2. Last evaluated: 2021-11-07. Review status: criteria provided, single submitter. Criteria: ACMG Guidelines, 2015. Collection method: clinical testing. Allele origin: germline. Affected: no.

AiLife Diagnostics
Classification: Uncertain significance. Last evaluated: 2021-05-20. Review status: criteria provided, single submitter. Criteria: ACMG Guidelines, 2015. Collection method: clinical testing. Allele origin: germline. Affected: yes. Observed: 1 variant allele.

Literature cited by the submitters: PubMed 30548481 (cited by 3 submitters).

NM_000548.5(TSC2):c.331G>T (p.Gly111Trp)

Gene: TSC2 (TSC complex subunit 2; plus strand). Cytogenetic location: 16p13.3.
Variant type: single nucleotide variant.
Coding change: c.331G>T on transcript NM_000548.5 (MANE Select); coding-DNA position 331, G replaced by T.
Protein change: p.Gly111Trp; replaces glycine 111 with tryptophan.
Molecular consequence: missense variant. On other transcripts: intron variant (2).
Genome position (GRCh38, 1-based): chr16:2,053,447, G>T. VCF-style: chr16-2053447-G-T. GRCh37 (hg19) VCF-style: chr16-2103448-G-T.
Other names: c.331G>T, p.Gly111Trp (NM_001077183.3, NM_001114382.3, NM_001363528.2 and 3 more transcripts); c.184G>T, p.Gly62Trp (NM_001318829.2); c.364G>T, p.Gly122Trp (NM_001318832.2); c.226-849G>T (NM_001318827.2); c.-1-2749G>T (NM_001318831.2); short protein forms G111W, G122W, G62W.
Identifiers: ClinVar variation 823605 (VCV000823605.18), dbSNP rs1266039524, ClinGen allele CA394306055.